The following is an entry in ClinVar:

NM_004260.4(RECQL4):c.3256G>C (p.Gly1086Arg)

Gene: RECQL4 (RecQ like helicase 4; minus strand). Cytogenetic location: 8q24.3.
Variant type: single nucleotide variant.
Coding change: c.3256G>C on transcript NM_004260.4 (MANE Select); coding-DNA position 3256, G replaced by C.
Protein change: p.Gly1086Arg; replaces glycine 1086 with arginine.
Molecular consequence: missense variant.
Genome position (GRCh38, 1-based): chr8:144,512,048, C>G on the plus strand (G>C on the coding strand, the complement: RECQL4 is on the minus strand). VCF-style: chr8-144512048-C-G. GRCh37 (hg19) VCF-style: chr8-145737431-C-G.
Other names: short protein forms G1086R.
Identifiers: ClinVar variation 406953 (VCV000406953.5), dbSNP rs587778646, ClinGen allele CA16612491.

ClinVar aggregate classification (germline): Uncertain significance (1 of 4 stars; one submission).

Conditions:
Baller-Gerold syndrome (BGS). Also called: CRANIOSYNOSTOSIS WITH RADIAL DEFECTS. Identifiers: Orphanet 1225, MedGen C0265308, MONDO:0009039, OMIM 218600.

gnomAD v4.1: 3 of 1,608,284 alleles (0.00019%); highest among the groups gnomAD compares: Non-Finnish European, 0.00025%; no homozygotes.

Submission:

Labcorp Genetics (formerly Invitae), Labcorp
Classification: Uncertain significance for Baller-Gerold syndrome. Last evaluated: 2023-06-20. Review status: criteria provided, single submitter. Criteria: Invitae Variant Classification Sherloc (09022015). Collection method: clinical testing. Allele origin: germline.
Comment: In summary, the available evidence is currently insufficient to determine the role of this variant in disease. Therefore, it has been classified as a Variant of Uncertain Significance. This sequence change replaces glycine, which is neutral and non-polar, with arginine, which is basic and polar, at codon 1086 of the RECQL4 protein (p.Gly1086Arg). This variant is not present in population databases (gnomAD no frequency). This variant has not been reported in the literature in individuals affected with RECQL4-related conditions. ClinVar contains an entry for this variant (Variation ID: 406953). Advanced modeling of protein sequence and biophysical properties (such as structural, functional, and spatial information, amino acid conservation, physicochemical variation, residue mobility, and thermodynamic stability) performed at Invitae indicates that this missense variant is not expected to disrupt RECQL4 protein function.